The following is an entry in ClinVar:

NM_000742.4(CHRNA2):c.525C>T (p.Pro175=)

Gene: CHRNA2 (cholinergic receptor nicotinic alpha 2 subunit; minus strand). Cytogenetic location: 8p21.2.
Variant type: single nucleotide variant.
Coding change: c.525C>T on transcript NM_000742.4 (MANE Select); coding-DNA position 525, C replaced by T.
Protein change: p.Pro175=; no amino-acid change (proline 175 retained).
Molecular consequence: synonymous variant. On other transcripts: intron variant (2).
Genome position (GRCh38, 1-based): chr8:27,463,918, G>A on the plus strand (C>T on the coding strand, the complement: CHRNA2 is on the minus strand). VCF-style: chr8-27463918-G-A. GRCh37 (hg19) VCF-style: chr8-27321435-G-A.
Other names: c.480C>T, p.Pro160= (NM_001282455.2); c.48C>T, p.Pro16= (NM_001347705.2, NM_001347706.2); c.-12-58C>T (NM_001347708.2); c.-9-61C>T (NM_001347707.2).
Identifiers: ClinVar variation 680370 (VCV000680370.8), dbSNP rs1026442070, ClinGen allele CA174242766.

ClinVar aggregate classification (germline): Likely benign. Review status: criteria provided, multiple submitters, no conflicts (2 of 4 stars). 2 submissions from 2 submitters: Likely benign (2). Last evaluated 2024-10-10.

Conditions:
Familial sleep-related hypermotor epilepsy. Also called: Autosomal Dominant Sleep-Related Hypermotor (Hyperkinetic) Epilepsy. Identifiers: Orphanet 98784, MedGen C3696898, MONDO:0000030.

Allele frequency attached by ClinVar (database versions not stated): gnomAD 0.00003; gnomAD exomes below 0.00001; TOPMed 0.00002.

Submissions (2):

Labcorp Genetics (formerly Invitae), Labcorp
Classification: Likely benign. Last evaluated: 2024-10-10. Review status: criteria provided, single submitter. Criteria: Invitae Variant Classification Sherloc (09022015). Collection method: clinical testing. Allele origin: germline.

GeneDx
Classification: Likely benign. Last evaluated: 2018-03-15. Review status: criteria provided, single submitter. Criteria: GeneDx Variant Classification (06012015). Collection method: clinical testing. Allele origin: germline. Affected: yes.
Comment: This variant is considered likely benign or benign based on one or more of the following criteria: it is a conservative change, it occurs at a poorly conserved position in the protein, it is predicted to be benign by multiple in silico algorithms, and/or has population frequency not consistent with disease.